The following is an entry in ClinVar:

ClinVar aggregate classification (germline): Uncertain significance (1 of 4 stars; one submission).

Submission:

Labcorp Genetics (formerly Invitae), Labcorp
Classification: Uncertain significance. Last evaluated: 2024-05-16. Review status: criteria provided, single submitter. Criteria: Invitae Variant Classification Sherloc (09022015). Collection method: clinical testing. Allele origin: germline.
Comment: This sequence change creates a premature translational stop signal (p.His198Thrfs*4) in the ABRAXAS1 gene. It is expected to result in an absent or disrupted protein product. However, the current clinical and genetic evidence is not sufficient to establish whether loss-of-function variants in ABRAXAS1 cause disease. This variant is not present in population databases (gnomAD no frequency). This variant has not been reported in the literature in individuals affected with ABRAXAS1-related conditions. In summary, the available evidence is currently insufficient to determine the role of this variant in disease. Therefore, it has been classified as a Variant of Uncertain Significance.

NM_139076.3(ABRAXAS1):c.591dup (p.His198fs)

Gene: ABRAXAS1 (abraxas 1, BRCA1 A complex subunit; minus strand). Cytogenetic location: 4q21.23.
Variant type: Duplication.
Coding change: c.591dup on transcript NM_139076.3 (MANE Select); coding-DNA position 591, one base duplicated (A; older notation c.591dupA).
Protein change: p.His198fs; shifts the reading frame from histidine 198.
Molecular consequence: frameshift variant.
Genome position (GRCh38, 1-based): chr4:83,469,037, T duplicated on the plus strand (A on the coding strand, the reverse complement: ABRAXAS1 is on the minus strand). VCF-style (leftmost placement, unchanged base first): chr4-83469036-G-GT. GRCh37 (hg19) VCF-style: chr4-84390189-G-GT.
Other names: c.264dup, p.His89fs (NM_001345962.2); short protein forms H89fs, H198fs.
Identifiers: ClinVar variation 3650722 (VCV003650722.2).